The following is an entry in ClinVar:

ClinVar aggregate classification (germline): Uncertain significance. Review status: criteria provided, multiple submitters, no conflicts (2 of 4 stars). 2 submissions from 2 submitters: Uncertain significance (2). Last evaluated 2022-10-14.

Allele frequency attached by ClinVar (database versions not stated): gnomAD exomes 0.00001 and 0.00002; ExAC 0.00002.

Submissions (2):

Blueprint Genetics
Classification: Uncertain significance. Last evaluated: 2022-10-14. Review status: criteria provided, single submitter. Criteria: ACMG Guidelines, 2015. Collection method: clinical testing. Allele origin: germline.

Labcorp Genetics (formerly Invitae), Labcorp
Classification: Uncertain significance. Last evaluated: 2020-03-17. Review status: criteria provided, single submitter. Criteria: Invitae Variant Classification Sherloc (09022015). Collection method: clinical testing. Allele origin: germline.
Comment: In summary, the available evidence is currently insufficient to determine the role of this variant in disease. Therefore, it has been classified as a Variant of Uncertain Significance. Algorithms developed to predict the effect of missense changes on protein structure and function are either unavailable or do not agree on the potential impact of this missense change (SIFT: "Not Available"; PolyPhen-2: "Probably Damaging"; Align-GVGD: "Not Available"). This variant has not been reported in the literature in individuals with USH1G-related conditions. This variant is present in population databases (rs763891710, ExAC 0.02%). This sequence change replaces valine with methionine at codon 114 of the USH1G protein (p.Val114Met). The valine residue is highly conserved and there is a small physicochemical difference between valine and methionine.

NM_173477.5(USH1G):c.340G>A (p.Val114Met)

Gene: USH1G (USH1 protein network component sans; minus strand). Cytogenetic location: 17q25.1.
Variant type: single nucleotide variant.
Coding change: c.340G>A on transcript NM_173477.5 (MANE Select); coding-DNA position 340, G replaced by A.
Protein change: p.Val114Met; replaces valine 114 with methionine.
Molecular consequence: missense variant.
Genome position (GRCh38, 1-based): chr17:74,920,496, C>T on the plus strand (G>A on the coding strand, the complement: USH1G is on the minus strand). VCF-style: chr17-74920496-C-T. GRCh37 (hg19) VCF-style: chr17-72916591-C-T.
Other names: c.31G>A, p.Val11Met (NM_001282489.3); short protein forms V114M, V11M.
Identifiers: ClinVar variation 1063150 (VCV001063150.7), dbSNP rs763891710, ClinGen allele CA8754092.